The following is an entry in ClinVar:

NM_013432.5(TONSL):c.2756C>G (p.Ser919Cys)

Genes: TONSL (tonsoku like, DNA repair protein; minus strand), TONSL-AS1 (TONSL antisense RNA 1; plus strand). Cytogenetic location: 8q24.3.
Variant type: single nucleotide variant.
Coding change: c.2756C>G on transcript NM_013432.5 (MANE Select); coding-DNA position 2756, C replaced by G.
Protein change: p.Ser919Cys; replaces serine 919 with cysteine.
Molecular consequence: missense variant.
Genome position (GRCh38, 1-based): chr8:144,435,677, G>C on the plus strand (C>G on the coding strand, the complement: TONSL is on the minus strand). VCF-style: chr8-144435677-G-C. GRCh37 (hg19) VCF-style: chr8-145661060-G-C.
Other names: short protein forms S919C.
Identifiers: ClinVar variation 2420163 (VCV002420163.6), dbSNP rs1225216149, ClinGen allele CA372652599.

ClinVar aggregate classification (germline): Uncertain significance (1 of 4 stars; one submission).

Allele frequency attached by ClinVar (database versions not stated): TOPMed below 0.00001.
gnomAD v4.1: 26 of 1,606,290 alleles (0.0016%); highest among the groups gnomAD compares: African/African-American, 0.0027%; no homozygotes.

Submission:

Labcorp Genetics (formerly Invitae), Labcorp
Classification: Uncertain significance. Last evaluated: 2022-04-28. Review status: criteria provided, single submitter. Criteria: Invitae Variant Classification Sherloc (09022015). Collection method: clinical testing. Allele origin: germline.
Comment: In summary, the available evidence is currently insufficient to determine the role of this variant in disease. Therefore, it has been classified as a Variant of Uncertain Significance. Algorithms developed to predict the effect of missense changes on protein structure and function output the following: SIFT: "Tolerated"; PolyPhen-2: "Benign"; Align-GVGD: "Class C0". The cysteine amino acid residue is found in multiple mammalian species, which suggests that this missense change does not adversely affect protein function. This variant has not been reported in the literature in individuals affected with TONSL-related conditions. This variant is present in population databases (no rsID available, gnomAD 0.007%). This sequence change replaces serine, which is neutral and polar, with cysteine, which is neutral and slightly polar, at codon 919 of the TONSL protein (p.Ser919Cys).